The following is an entry in ClinVar:

NM_024675.4(PALB2):c.287C>T (p.Thr96Ile)

Gene: PALB2 (partner and localizer of BRCA2; minus strand). Cytogenetic location: 16p12.2.
Variant type: single nucleotide variant.
Coding change: c.287C>T on transcript NM_024675.4 (MANE Select); coding-DNA position 287, C replaced by T.
Protein change: p.Thr96Ile; replaces threonine 96 with isoleucine.
Molecular consequence: missense variant.
Genome position (GRCh38, 1-based): chr16:23,636,259, G>A on the plus strand (C>T on the coding strand, the complement: PALB2 is on the minus strand). VCF-style: chr16-23636259-G-A. GRCh37 (hg19) VCF-style: chr16-23647580-G-A.
Other names: short protein forms T96I.
Identifiers: ClinVar variation 927236 (VCV000927236.7), dbSNP rs1967057796, ClinGen allele CA395138824.

ClinVar aggregate classification (germline): Conflicting classifications of pathogenicity. Review status: criteria provided, conflicting classifications (1 of 4 stars). 3 submissions from 3 submitters: Uncertain significance (2); Likely benign (1). Last evaluated 2026-07-06.

Conditions:
Hereditary cancer-predisposing syndrome. Also called: Neoplastic Syndromes, Hereditary; Hereditary Cancer Syndrome; Tumor predisposition; Hereditary neoplastic syndrome. Identifiers: Orphanet 140162, MedGen C0027672, MeSH D009386, MONDO:0015356.
Familial cancer of breast. Also called: Hereditary breast cancer; BREAST CANCER, FAMILIAL; hereditary breast carcinoma. Identifiers: Orphanet 227535, MedGen C0346153, MONDO:0016419, OMIM 114480. Disease mechanism: loss of function.

Submissions (3):

Ambry Genetics
Classification: Likely benign for Hereditary cancer-predisposing syndrome. Last evaluated: 2026-07-06. Review status: criteria provided, single submitter. Criteria: Ambry Variant Classification Scheme 2023. Collection method: clinical testing. Allele origin: germline.

Labcorp Genetics (formerly Invitae), Labcorp
Classification: Uncertain significance for Familial cancer of breast. Last evaluated: 2023-08-03. Review status: criteria provided, single submitter. Criteria: Invitae Variant Classification Sherloc (09022015). Collection method: clinical testing. Allele origin: germline.
Comment: This sequence change replaces threonine, which is neutral and polar, with isoleucine, which is neutral and non-polar, at codon 96 of the PALB2 protein (p.Thr96Ile). In summary, the available evidence is currently insufficient to determine the role of this variant in disease. Therefore, it has been classified as a Variant of Uncertain Significance. Algorithms developed to predict the effect of missense changes on protein structure and function output the following: SIFT: "Not Available"; PolyPhen-2: "Benign"; Align-GVGD: "Not Available". The isoleucine amino acid residue is found in multiple mammalian species, which suggests that this missense change does not adversely affect protein function. ClinVar contains an entry for this variant (Variation ID: 927236). This missense change has been observed in individual(s) with breast cancer (PMID: 28825143). This variant is not present in population databases (gnomAD no frequency).

Color Diagnostics, LLC DBA Color Health
Classification: Uncertain significance for Hereditary cancer-predisposing syndrome. Last evaluated: 2019-11-26. Review status: criteria provided, single submitter. Criteria: ACMG Guidelines, 2015. Collection method: clinical testing. Allele origin: germline.
Comment: This missense variant replaces threonine with isoleucine at codon 96 of the PALB2 protein. Computational prediction suggests that this variant may not impact protein structure and function (internally defined REVEL score threshold <= 0.5, PMID: 27666373). Splice site prediction tools suggest that this variant may not impact RNA splicing. To our knowledge, functional studies have not been performed for this variant. This variant has been reported in 1 individual affected with breast cancer (PMID 28825143). This variant has not been identified in the general population by the Genome Aggregation Database (gnomAD). The available evidence is insufficient to determine the role of this variant in disease conclusively. Therefore, this variant is classified as a Variant of Uncertain Significance.

Literature cited by the submitters: PubMed 28825143 (cited by Labcorp Genetics (formerly Invitae), Labcorp).